The following is an entry in ClinVar:

NM_001035.3(RYR2):c.2042A>G (p.His681Arg)

Gene: RYR2 (ryanodine receptor 2; plus strand). Cytogenetic location: 1q43.
Variant type: single nucleotide variant.
Coding change: c.2042A>G on transcript NM_001035.3 (MANE Select); coding-DNA position 2042, A replaced by G.
Protein change: p.His681Arg; replaces histidine 681 with arginine.
Molecular consequence: missense variant.
Genome position (GRCh38, 1-based): chr1:237,496,591, A>G. VCF-style: chr1-237496591-A-G. GRCh37 (hg19) VCF-style: chr1-237659891-A-G.
Other names: p.His681Arg; c.2042A>G (NM_001035.2); short protein forms H681R.
Identifiers: ClinVar variation 922641 (VCV000922641.17), dbSNP rs1344581490, ClinGen allele CA345391496.

ClinVar aggregate classification (germline): Uncertain significance. Review status: criteria provided, multiple submitters, no conflicts (2 of 4 stars). 5 submissions from 5 submitters: Uncertain significance (5). Last evaluated 2025-02-04.

Conditions:
Cardiovascular phenotype. Identifiers: MedGen CN230736.
Catecholaminergic polymorphic ventricular tachycardia (CVPT). Also called: Catecholamine-induced polymorphic ventricular tachycardia. Identifiers: Orphanet 3286, MedGen C5574922, MONDO:0017990.
Cardiomyopathy (CMYO). Also called: Cardiomyopathies. Identifiers: Orphanet 167848, MedGen C0878544, MONDO:0004994, HP:0001638. Inheritance: Various modes of inheritance.
Catecholaminergic polymorphic ventricular tachycardia 1. Also called: VENTRICULAR TACHYCARDIA, CATECHOLAMINERGIC POLYMORPHIC, 1, WITH OR WITHOUT ATRIAL DYSFUNCTION AND/OR DILATED CARDIOMYOPATHY; RYR2-Related Catecholaminergic Polymorphic Ventricular Tachycardia; VENTRICULAR TACHYCARDIA, STRESS-INDUCED POLYMORPHIC 1. Identifiers: Orphanet 3286, MedGen C1631597, MONDO:0011484, OMIM 604772.

Allele frequency attached by ClinVar (database versions not stated): gnomAD exomes below 0.00001; TOPMed below 0.00001.
gnomAD v4.1: 1 of 1,614,018 alleles (0.000062%); highest among the groups gnomAD compares: Non-Finnish European, 0.000085%; no homozygotes.

Submissions (5):

Labcorp Genetics (formerly Invitae), Labcorp
Classification: Uncertain significance for Catecholaminergic polymorphic ventricular tachycardia 1. Last evaluated: 2025-02-04. Review status: criteria provided, single submitter. Criteria: Invitae Variant Classification Sherloc (09022015). Collection method: clinical testing. Allele origin: germline.
Comment: This sequence change replaces histidine, which is basic and polar, with arginine, which is basic and polar, at codon 681 of the RYR2 protein (p.His681Arg). This variant is not present in population databases (gnomAD no frequency). This variant has not been reported in the literature in individuals affected with RYR2-related conditions. ClinVar contains an entry for this variant (Variation ID: 922641). Invitae Evidence Modeling of protein sequence and biophysical properties (such as structural, functional, and spatial information, amino acid conservation, physicochemical variation, residue mobility, and thermodynamic stability) indicates that this missense variant is not expected to disrupt RYR2 protein function with a negative predictive value of 95%. In summary, the available evidence is currently insufficient to determine the role of this variant in disease. Therefore, it has been classified as a Variant of Uncertain Significance.

Color Diagnostics, LLC DBA Color Health
Classification: Uncertain significance for Cardiomyopathy. Last evaluated: 2024-03-06. Review status: criteria provided, single submitter. Criteria: ACMG Guidelines, 2015. Collection method: clinical testing. Allele origin: germline.
Comment: This variant is located in the RYR2 protein. Computational prediction suggests that this variant may not impact protein structure and function (internally defined REVEL score threshold <= 0.5, PMID: 27666373). To our knowledge, functional studies have not been reported for this variant. This variant has not been reported in individuals affected with cardiovascular disorders in the literature. This variant has not been identified in the general population by the Genome Aggregation Database (gnomAD). The available evidence is insufficient to determine the role of this variant in disease conclusively. Therefore, this variant is classified as a Variant of Uncertain Significance.

Ambry Genetics
Classification: Uncertain significance for Cardiovascular phenotype. Last evaluated: 2023-11-15. Review status: criteria provided, single submitter. Criteria: Ambry Variant Classification Scheme 2023. Collection method: clinical testing. Allele origin: germline.
Comment: The p.H681R variant (also known as c.2042A>G), located in coding exon 20 of the RYR2 gene, results from an A to G substitution at nucleotide position 2042. The histidine at codon 681 is replaced by arginine, an amino acid with highly similar properties. This amino acid position is well conserved in available vertebrate species. In addition, the in silico prediction for this alteration is inconclusive. Since supporting evidence is limited at this time, the clinical significance of this alteration remains unclear.

Mayo Clinic Laboratories, Mayo Clinic
Classification: Uncertain significance. Last evaluated: 2023-11-10. Review status: criteria provided, single submitter. Criteria: ACMG Guidelines, 2015. Collection method: clinical testing. Allele origin: germline. Observed: 1 variant allele.
Comment: BP4, PP2, PM2

All of Us Research Program, National Institutes of Health
Classification: Uncertain significance for Catecholaminergic polymorphic ventricular tachycardia. Last evaluated: 2023-10-30. Review status: criteria provided, single submitter. Criteria: ACMG Guidelines, 2015. Collection method: clinical testing. Allele origin: germline. Inheritance: Autosomal dominant inheritance. Observed: 2 variant alleles, 2 heterozygotes.
Comment: This variant is located in the RYR2 protein. Computational prediction suggests that this variant may not impact protein structure and function (internally defined REVEL score threshold <= 0.5, PMID: 27666373). To our knowledge, functional studies have not been reported for this variant. This variant has not been reported in individuals affected with cardiovascular disorders in the literature. This variant has not been identified in the general population by the Genome Aggregation Database (gnomAD). The available evidence is insufficient to determine the role of this variant in disease conclusively. Therefore, this variant is classified as a Variant of Uncertain Significance.

This study involves interpretation of variants in research participants for the purpose of population health screening. Participant phenotype was not available at the time of variant classification. Additional details can be found in publication PMID: 35346344, PMCID: PMC8962531